The following is an entry in ClinVar:

ClinVar aggregate classification (germline): Conflicting classifications of pathogenicity. Review status: criteria provided, conflicting classifications (1 of 4 stars). 3 submissions from 3 submitters: Uncertain significance (2); Benign (1). Last evaluated 2025-06-24.

Conditions:
Inborn genetic diseases. Identifiers: MedGen C0950123, MeSH D030342.
Fibrous dysplasia of jaw (CRBM). Also called: Cherubism. Identifiers: Orphanet 184, MedGen C0008029, MONDO:0007315, OMIM 118400.

Allele frequency attached by ClinVar (database versions not stated): gnomAD 0.00001; gnomAD exomes 0.00002 and 0.00003; TOPMed 0.00002; ExAC 0.00003.
gnomAD v4.1: 43 of 1,613,984 alleles (0.0027%); highest among the groups gnomAD compares: South Asian, 0.011%; no homozygotes.

Submissions (3):

Ambry Genetics
Classification: Uncertain significance for Inborn genetic diseases. Last evaluated: 2025-06-24. Review status: criteria provided, single submitter. Criteria: Ambry Variant Classification Scheme 2023. Collection method: clinical testing. Allele origin: germline.

Labcorp Genetics (formerly Invitae), Labcorp
Classification: Uncertain significance for Fibrous dysplasia of jaw. Last evaluated: 2024-06-12. Review status: criteria provided, single submitter. Criteria: Invitae Variant Classification Sherloc (09022015). Collection method: clinical testing. Allele origin: germline.
Comment: This sequence change replaces arginine, which is basic and polar, with cysteine, which is neutral and slightly polar, at codon 56 of the SH3BP2 protein (p.Arg56Cys). This variant is present in population databases (rs758096402, gnomAD 0.01%). This variant has not been reported in the literature in individuals affected with SH3BP2-related conditions. ClinVar contains an entry for this variant (Variation ID: 902811). Advanced modeling of protein sequence and biophysical properties (such as structural, functional, and spatial information, amino acid conservation, physicochemical variation, residue mobility, and thermodynamic stability) performed at Invitae indicates that this missense variant is not expected to disrupt SH3BP2 protein function with a negative predictive value of 80%. In summary, the available evidence is currently insufficient to determine the role of this variant in disease. Therefore, it has been classified as a Variant of Uncertain Significance.

Illumina Laboratory Services, Illumina
Classification: Benign for Fibrous dysplasia of jaw. Last evaluated: 2018-01-13. Review status: criteria provided, single submitter. Criteria: ICSL Variant Classification Criteria 13 December 2019. Collection method: clinical testing. Allele origin: germline.
Comment: This variant was observed in the ICSL laboratory as part of a predisposition screen in an ostensibly healthy population. It had not been previously curated by ICSL or reported in the Human Gene Mutation Database (HGMD: prior to June 1st, 2018), and was therefore a candidate for classification through an automated scoring system. Utilizing variant allele frequency, disease prevalence and penetrance estimates, and inheritance mode, an automated score was calculated to assess if this variant is too frequent to cause the disease. Based on the score and internal cut-off values, a variant classified as benign is not then subjected to further curation. The score for this variant resulted in a classification of benign for this disease.

NM_001122681.2(SH3BP2):c.166C>T (p.Arg56Cys)

Gene: SH3BP2 (SH3 domain binding protein 2; plus strand). Cytogenetic location: 4p16.3.
Variant type: single nucleotide variant.
Coding change: c.166C>T on transcript NM_001122681.2 (MANE Select); coding-DNA position 166, C replaced by T.
Protein change: p.Arg56Cys; replaces arginine 56 with cysteine.
Molecular consequence: missense variant.
Genome position (GRCh38, 1-based): chr4:2,822,964, C>T. VCF-style: chr4-2822964-C-T. GRCh37 (hg19) VCF-style: chr4-2824691-C-T.
Other names: c.250C>T, p.Arg84Cys (NM_001145855.2); c.337C>T, p.Arg113Cys (NM_001145856.2); c.166C>T, p.Arg56Cys (NM_003023.4); short protein forms R56C, R113C, R84C.
Identifiers: ClinVar variation 902811 (VCV000902811.8), dbSNP rs758096402, ClinGen allele CA2818928.